The following is an entry in ClinVar:

ClinVar aggregate classification (germline): Uncertain significance (1 of 4 stars; one submission).

Conditions:
Inborn genetic diseases. Identifiers: MedGen C0950123, MeSH D030342.

Submission:

Ambry Genetics
Classification: Uncertain significance for Inborn genetic diseases. Last evaluated: 2022-06-11. Review status: criteria provided, single submitter. Criteria: Ambry Variant Classification Scheme 2023. Collection method: clinical testing. Allele origin: germline.
Comment: The p.T1271A variant (also known as c.3811A>G), located in coding exon 28 of the LRRK2 gene, results from an A to G substitution at nucleotide position 3811. The threonine at codon 1271 is replaced by alanine, an amino acid with similar properties. This amino acid position is conserved. In addition, this alteration is predicted to be tolerated by in silico analysis. Since supporting evidence is limited at this time, the clinical significance of this alteration remains unclear.

NM_198578.4(LRRK2):c.3811A>G (p.Thr1271Ala)

Gene: LRRK2 (leucine rich repeat kinase 2; plus strand). Cytogenetic location: 12q12.
Variant type: single nucleotide variant.
Coding change: c.3811A>G on transcript NM_198578.4 (MANE Select); coding-DNA position 3811, A replaced by G.
Protein change: p.Thr1271Ala; replaces threonine 1271 with alanine.
Molecular consequence: missense variant.
Genome position (GRCh38, 1-based): chr12:40,305,818, A>G. VCF-style: chr12-40305818-A-G. GRCh37 (hg19) VCF-style: chr12-40699620-A-G.
Other names: short protein forms T1271A.
Identifiers: ClinVar variation 1735159 (VCV001735159.2), dbSNP rs2499794440, ClinGen allele CA384417096.